The following is an entry in ClinVar:

NM_025114.4(CEP290):c.7083G>T (p.Gln2361His)

Gene: CEP290 (centrosomal protein 290; minus strand). Cytogenetic location: 12q21.32.
Variant type: single nucleotide variant.
Coding change: c.7083G>T on transcript NM_025114.4 (MANE Select); coding-DNA position 7083, G replaced by T.
Protein change: p.Gln2361His; replaces glutamine 2361 with histidine.
Molecular consequence: missense variant.
Genome position (GRCh38, 1-based): chr12:88,053,698, C>A on the plus strand (G>T on the coding strand, the complement: CEP290 is on the minus strand). VCF-style: chr12-88053698-C-A. GRCh37 (hg19) VCF-style: chr12-88447475-C-A.
Other names: c.7083G>T (NM_025114.3); short protein forms Q2361H.
Identifiers: ClinVar variation 1498499 (VCV001498499.6), dbSNP rs201801456, ClinGen allele CA6711357.

ClinVar aggregate classification (germline): Uncertain significance. Review status: criteria provided, multiple submitters, no conflicts (2 of 4 stars). 4 submissions from 4 submitters: Uncertain significance (3). 1 of the submissions does not count toward it. Last evaluated 2024-12-11.

Conditions:
Inborn genetic diseases. Identifiers: MedGen C0950123, MeSH D030342.
CEP290-related disorder. Also called: CEP290-related condition; CEP290-related disorders. Identifiers: MedGen CN239314.
Meckel-Gruber syndrome. Also called: DYSENCEPHALIA SPLANCHNOCYSTICA; GRUBER SYNDROME; Dysencephalia splachnocystica. Identifiers: Orphanet 564, MedGen C0265215, MONDO:0018921.
Joubert syndrome. Also called: JOUBERT-BOLTSHAUSER SYNDROME; Familial aplasia of the vermis. Identifiers: Orphanet 475, MedGen C5979921, MONDO:0018772.
Nephronophthisis. Also called: Juvenile Nephronophthisis. Identifiers: Orphanet 655, MedGen C0687120, MONDO:0019005, HP:0000090.

Allele frequency attached by ClinVar (database versions not stated): gnomAD 0.00002; gnomAD exomes 0.00002; TOPMed 0.00003; ExAC 0.00008; ESP Exome Variant Server 0.00008.
gnomAD v4.1: 67 of 1,554,628 alleles (0.0043%); highest among the groups gnomAD compares: Non-Finnish European, 0.0057%; no homozygotes.

Submissions (4):

Ambry Genetics
Classification: Uncertain significance for Inborn genetic diseases. Last evaluated: 2024-12-11. Review status: criteria provided, single submitter. Criteria: Ambry Variant Classification Scheme 2023. Collection method: clinical testing. Allele origin: germline.

Blueprint Genetics
Classification: Uncertain significance. Last evaluated: 2024-10-16. Review status: criteria provided, single submitter. Criteria: ACMG Guidelines, 2015. Collection method: clinical testing. Allele origin: germline.

Labcorp Genetics (formerly Invitae), Labcorp
Classification: Uncertain significance for Joubert syndrome; Meckel-Gruber syndrome; Nephronophthisis. Last evaluated: 2022-07-12. Review status: criteria provided, single submitter. Criteria: Invitae Variant Classification Sherloc (09022015). Collection method: clinical testing. Allele origin: germline.
Comment: This sequence change replaces glutamine, which is neutral and polar, with histidine, which is basic and polar, at codon 2361 of the CEP290 protein (p.Gln2361His). The frequency data for this variant in the population databases is considered unreliable, as metrics indicate poor data quality at this position in the gnomAD database. This variant has not been reported in the literature in individuals affected with CEP290-related conditions. ClinVar contains an entry for this variant (Variation ID: 1498499). Algorithms developed to predict the effect of missense changes on protein structure and function are either unavailable or do not agree on the potential impact of this missense change (SIFT: "Deleterious"; PolyPhen-2: "Possibly Damaging"; Align-GVGD: "Class C0"). In summary, the available evidence is currently insufficient to determine the role of this variant in disease. Therefore, it has been classified as a Variant of Uncertain Significance.

PreventionGenetics, part of Exact Sciences
Classification: Uncertain significance for CEP290-related condition. Last evaluated: 2024-04-04. Review status: no assertion criteria provided. Collection method: clinical testing. Allele origin: germline. Not counted in ClinVar's aggregate classification.
Comment: The CEP290 c.7083G>T variant is predicted to result in the amino acid substitution p.Gln2361His. To our knowledge, this variant has not been reported in the literature. This variant is reported in 0.0041% of alleles in individuals of European (Non-Finnish) descent in gnomAD. At this time, the clinical significance of this variant is uncertain due to the absence of conclusive functional and genetic evidence.